The following is an entry in ClinVar:

NM_020312.4(COQ9):c.826C>T (p.Arg276Trp)

Gene: COQ9 (coenzyme Q9; plus strand). Cytogenetic location: 16q21.
Variant type: single nucleotide variant.
Coding change: c.826C>T on transcript NM_020312.4 (MANE Select); coding-DNA position 826, C replaced by T.
Protein change: p.Arg276Trp; replaces arginine 276 with tryptophan.
Molecular consequence: missense variant.
Genome position (GRCh38, 1-based): chr16:57,459,679, C>T. VCF-style: chr16-57459679-C-T. GRCh37 (hg19) VCF-style: chr16-57493591-C-T.
Other names: short protein forms R276W.
Identifiers: ClinVar variation 377744 (VCV000377744.57), dbSNP rs143587648, ClinGen allele CA8076351.

ClinVar aggregate classification (germline): Benign/Likely benign. Review status: criteria provided, multiple submitters, no conflicts (2 of 4 stars). 4 submissions from 4 submitters: Benign (2); Likely benign (2). Last evaluated 2026-07-01.

Conditions:
Encephalopathy-hypertrophic cardiomyopathy-renal tubular disease syndrome. Identifiers: Orphanet 319678, MedGen C3553374, MONDO:0013840, OMIM 614654.

Allele frequency attached by ClinVar (database versions not stated): ESP Exome Variant Server 0.00123; TOPMed 0.00146; gnomAD 0.00272 and 0.00290; 1000 Genomes Project 30x 0.00390; gnomAD exomes 0.00393; 1000 Genomes Project 0.00419.

Submissions (4):

CeGaT Center for Human Genetics Tuebingen
Classification: Likely benign. Last evaluated: 2026-07-01. Review status: criteria provided, single submitter. Criteria: CeGaT Center For Human Genetics Tuebingen Variant Classification Criteria Version 2. Collection method: clinical testing. Allele origin: germline. Affected: yes. Observed: 14 variant alleles.
Comment: COQ9: BS2

Labcorp Genetics (formerly Invitae), Labcorp
Classification: Benign. Last evaluated: 2026-02-03. Review status: criteria provided, single submitter. Criteria: Invitae Variant Classification Sherloc (09022015). Collection method: clinical testing. Allele origin: germline.

GeneDx
Classification: Benign. Last evaluated: 2019-10-24. Review status: criteria provided, single submitter. Criteria: GeneDx Variant Classification Process June 2021. Collection method: clinical testing. Allele origin: germline. Affected: yes.

Illumina Laboratory Services, Illumina
Classification: Likely benign for Encephalopathy-hypertrophic cardiomyopathy-renal tubular disease syndrome. Last evaluated: 2017-04-27. Review status: criteria provided, single submitter. Criteria: ICSL Variant Classification Criteria 13 December 2019. Collection method: clinical testing. Allele origin: germline.
Comment: This variant was observed as part of a predisposition screen in an ostensibly healthy population. A literature search was performed for the gene, cDNA change, and amino acid change (where applicable). No publications were found based on this search. Allele frequency data from public databases allowed determination this variant is unlikely to cause disease. Therefore, this variant is classified as likely benign.